The following is an entry in ClinVar:

ClinVar aggregate classification (germline): Uncertain significance. Review status: criteria provided, multiple submitters, no conflicts (2 of 4 stars). 2 submissions from 2 submitters: Uncertain significance (2). Last evaluated 2025-07-03.

Conditions:
Inborn genetic diseases. Identifiers: MedGen C0950123, MeSH D030342.

Submissions (2):

Ambry Genetics
Classification: Uncertain significance for Inborn genetic diseases. Last evaluated: 2025-07-03. Review status: criteria provided, single submitter. Criteria: Ambry Variant Classification Scheme 2023. Collection method: clinical testing. Allele origin: germline.
Comment: The p.K1322N variant (also known as c.3966G>T), located in coding exon 1 of the SAMD9 gene, results from a G to T substitution at nucleotide position 3966. The lysine at codon 1322 is replaced by asparagine, an amino acid with similar properties. This amino acid position is conserved. In addition, this alteration is predicted to be tolerated by in silico analysis. Based on the available evidence, the clinical significance of this variant remains unclear.

Labcorp Genetics (formerly Invitae), Labcorp
Classification: Uncertain significance. Last evaluated: 2024-10-21. Review status: criteria provided, single submitter. Criteria: Invitae Variant Classification Sherloc (09022015). Collection method: clinical testing. Allele origin: germline.
Comment: This sequence change replaces lysine, which is basic and polar, with asparagine, which is neutral and polar, at codon 1322 of the SAMD9 protein (p.Lys1322Asn). This variant is not present in population databases (gnomAD no frequency). This variant has not been reported in the literature in individuals affected with SAMD9-related conditions. Invitae Evidence Modeling of protein sequence and biophysical properties (such as structural, functional, and spatial information, amino acid conservation, physicochemical variation, residue mobility, and thermodynamic stability) indicates that this missense variant is not expected to disrupt SAMD9 protein function with a negative predictive value of 95%. In summary, the available evidence is currently insufficient to determine the role of this variant in disease. Therefore, it has been classified as a Variant of Uncertain Significance.

NM_017654.4(SAMD9):c.3966G>T (p.Lys1322Asn)

Gene: SAMD9 (sterile alpha motif domain containing 9; minus strand). Cytogenetic location: 7q21.2.
Variant type: single nucleotide variant.
Coding change: c.3966G>T on transcript NM_017654.4 (MANE Select); coding-DNA position 3966, G replaced by T.
Protein change: p.Lys1322Asn; replaces lysine 1322 with asparagine.
Molecular consequence: missense variant.
Genome position (GRCh38, 1-based): chr7:93,102,132, C>A on the plus strand (G>T on the coding strand, the complement: SAMD9 is on the minus strand). VCF-style: chr7-93102132-C-A. GRCh37 (hg19) VCF-style: chr7-92731445-C-A.
Other names: c.3966G>T, p.Lys1322Asn (NM_001193307.2); c.3966G>T (NM_017654.3); short protein forms K1322N.
Identifiers: ClinVar variation 3610686 (VCV003610686.3).
Genomic context (GRCh38, chr7:93,102,132, plus strand): 5'-GTCTGCTTTTAAAGCTACTAGGTTTCTCCTGCATCTCTCTACTTGAAGTGGCTCACTGAA[C>A]TTTGATCCAAGACCTGTGTTGTTTTGTGATTCTTCTAAGAGACAAAATATATCTACATAT-3'
Protein context (NP_060124.2, residues 1312-1332): ESQNNTGLGS[Lys1322Asn]FSEPLQVERC